The following is an entry in ClinVar:

ClinVar aggregate classification (germline): Uncertain significance. Review status: criteria provided, multiple submitters, no conflicts (2 of 4 stars). 2 submissions from 2 submitters: Uncertain significance (2). Last evaluated 2025-03-18.

Conditions:
Hereditary cancer-predisposing syndrome. Also called: Hereditary neoplastic syndrome; Neoplastic Syndromes, Hereditary; Tumor predisposition; Hereditary Cancer Syndrome. Identifiers: Orphanet 140162, MedGen C0027672, MeSH D009386, MONDO:0015356.
Ataxia-telangiectasia syndrome (AT). Also called: LOUIS-BAR SYNDROME; Cerebello-oculocutaneous telangiectasia; Immunodeficiency with ataxia telangiectasia; AT, COMPLEMENTATION GROUP C; Ataxia-telangiectasia, complementation group D; ATAXIA-TELANGIECTASIA, COMPLEMENTATION GROUP A. Identifiers: Orphanet 100, MedGen C0004135, MONDO:0008840, OMIM 208900.

Allele frequency attached by ClinVar (database versions not stated): TOPMed below 0.00001.

Submissions (2):

Ambry Genetics
Classification: Uncertain significance for Hereditary cancer-predisposing syndrome. Last evaluated: 2025-03-18. Review status: criteria provided, single submitter. Criteria: Ambry Variant Classification Scheme 2023. Collection method: clinical testing. Allele origin: germline.
Comment: The p.A1887V variant (also known as c.5660C>T), located in coding exon 36 of the ATM gene, results from a C to T substitution at nucleotide position 5660. The alanine at codon 1887 is replaced by valine, an amino acid with similar properties. In a study of 196 women with breast cancer and 185 unaffected controls from Cameroon and Uganda, this variant was observed in two individuals from Cameroon (Adedokun B et al. Cancer Epidemiol Biomarkers Prev, 2020 Feb;29:359-367). This amino acid position is well conserved in available vertebrate species. In addition, this alteration is predicted to be tolerated by in silico analysis. Based on the available evidence, the clinical significance of this variant remains unclear.

Labcorp Genetics (formerly Invitae), Labcorp
Classification: Uncertain significance for Ataxia-telangiectasia syndrome. Last evaluated: 2023-09-08. Review status: criteria provided, single submitter. Criteria: Invitae Variant Classification Sherloc (09022015). Collection method: clinical testing. Allele origin: germline.
Comment: In summary, the available evidence is currently insufficient to determine the role of this variant in disease. Therefore, it has been classified as a Variant of Uncertain Significance. Algorithms developed to predict the effect of missense changes on protein structure and function output the following: SIFT: "Not Available"; PolyPhen-2: "Benign"; Align-GVGD: "Not Available". The valine amino acid residue is found in multiple mammalian species, which suggests that this missense change does not adversely affect protein function. ClinVar contains an entry for this variant (Variation ID: 480874). This variant has not been reported in the literature in individuals affected with ATM-related conditions. This variant is not present in population databases (gnomAD no frequency). This sequence change replaces alanine, which is neutral and non-polar, with valine, which is neutral and non-polar, at codon 1887 of the ATM protein (p.Ala1887Val).

Literature cited by the submitters: PubMed 31871109 (cited by Ambry Genetics).

NM_000051.4(ATM):c.5660C>T (p.Ala1887Val)

Gene: ATM (ATM serine/threonine kinase; plus strand). Cytogenetic location: 11q22.3.
Variant type: single nucleotide variant.
Coding change: c.5660C>T on transcript NM_000051.4 (MANE Select); coding-DNA position 5660, C replaced by T.
Protein change: p.Ala1887Val; replaces alanine 1887 with valine.
Molecular consequence: missense variant.
Genome position (GRCh38, 1-based): chr11:108,304,838, C>T. VCF-style: chr11-108304838-C-T. GRCh37 (hg19) VCF-style: chr11-108175565-C-T.
Other names: c.5660C>T, p.Ala1887Val (NM_001351834.2); short protein forms A1887V.
Identifiers: ClinVar variation 480874 (VCV000480874.16), dbSNP rs1297909613, ClinGen allele CA382546542.